The following is an entry in ClinVar:

NM_000384.3(APOB):c.10343C>G (p.Thr3448Ser)

Gene: APOB (apolipoprotein B; minus strand). Cytogenetic location: 2p24.1.
Variant type: single nucleotide variant.
Coding change: c.10343C>G on transcript NM_000384.3 (MANE Select); coding-DNA position 10343, C replaced by G.
Protein change: p.Thr3448Ser; replaces threonine 3448 with serine.
Molecular consequence: missense variant.
Genome position (GRCh38, 1-based): chr2:21,006,525, G>C on the plus strand (C>G on the coding strand, the complement: APOB is on the minus strand). VCF-style: chr2-21006525-G-C. GRCh37 (hg19) VCF-style: chr2-21229397-G-C.
Other names: short protein forms T3448S.
Identifiers: ClinVar variation 942225 (VCV000942225.10), dbSNP rs1451501522, ClinGen allele CA345986735.
Genomic context (GRCh38, chr2:21,006,525, plus strand): 5'-ATTGAAGAATTGAAATCATACTTAAATTCCATGGAGGAAGAGACAGTAGGTTTTGACTTG[G>C]TATTTCCATTAAGTTCTTGCTTGAAATTCATTCTCAAAATTGGAATTTGGGCTTTTGTGG-3'
Protein context (NP_000375.3, residues 3438-3458): MNFKQELNGN[Thr3448Ser]KSKPTVSSSM

ClinVar aggregate classification (germline): Uncertain significance. Review status: criteria provided, multiple submitters, no conflicts (2 of 4 stars). 2 submissions from 2 submitters: Uncertain significance (2). Last evaluated 2026-03-02.

Conditions:
Familial hypobetalipoproteinemia 1. Also called: Hypobetalipoproteinemia, normotriglyceridemic; Acanthocytosis with hypobetalipoproteinemia; APOB-Related Familial Hypobetalipoproteinemia. Identifiers: MedGen C4551990, MONDO:0014252, OMIM 615558.
Hypercholesterolemia, autosomal dominant, type B (FHCL2). Also called: Familial Hypercholesterolemia Type B; HYPERCHOLESTEROLEMIA, FAMILIAL, DUE TO LIGAND-DEFECTIVE APOLIPOPROTEIN B; Familial hypercholesterolemia 2; APOB-Related Familial Hypercholesterolemia, Autosomal Dominant; APOLIPOPROTEIN B-100, FAMILIAL DEFECTIVE; APOLIPOPROTEIN B-100, FAMILIAL LIGAND-DEFECTIVE. Identifiers: MedGen C1704417, MONDO:0007751, OMIM 144010.
Cardiovascular phenotype. Identifiers: MedGen CN230736.

Allele frequency attached by ClinVar (database versions not stated): gnomAD exomes below 0.00001; gnomAD 0.00001; TOPMed 0.00003.
gnomAD v4.1: 2 of 1,613,956 alleles (0.00012%); highest among the groups gnomAD compares: Admixed American, 0.0017%; no homozygotes.

Submissions (2):

Ambry Genetics
Classification: Uncertain significance for Cardiovascular phenotype. Last evaluated: 2026-03-02. Review status: criteria provided, single submitter. Criteria: Ambry Variant Classification Scheme 2023. Collection method: clinical testing. Allele origin: germline.

Labcorp Genetics (formerly Invitae), Labcorp
Classification: Uncertain significance for Familial hypobetalipoproteinemia 1; Hypercholesterolemia, autosomal dominant, type B. Last evaluated: 2021-08-24. Review status: criteria provided, single submitter. Criteria: Invitae Variant Classification Sherloc (09022015). Collection method: clinical testing. Allele origin: germline.
Comment: This sequence change replaces threonine with serine at codon 3448 of the APOB protein (p.Thr3448Ser). The threonine residue is moderately conserved and there is a small physicochemical difference between threonine and serine. This variant is not present in population databases (ExAC no frequency). This variant has not been reported in the literature in individuals affected with APOB-related conditions. Algorithms developed to predict the effect of missense changes on protein structure and function are either unavailable or do not agree on the potential impact of this missense change (SIFT: "Deleterious"; PolyPhen-2: "Benign"; Align-GVGD: "Class C0"). In summary, the available evidence is currently insufficient to determine the role of this variant in disease. Therefore, it has been classified as a Variant of Uncertain Significance.